The following is an entry in ClinVar:

ClinVar aggregate classification (germline): Uncertain significance (1 of 4 stars; one submission).

Submission:

GeneDx
Classification: Uncertain significance. Last evaluated: 2023-06-28. Review status: criteria provided, single submitter. Criteria: GeneDx Variant Classification Process June 2021. Collection method: clinical testing. Allele origin: germline. Affected: yes.
Comment: Not observed at significant frequency in large population cohorts (gnomAD); In silico analysis supports that this missense variant has a deleterious effect on protein structure/function; Has not been previously published as pathogenic or benign to our knowledge.

NM_020338.4(ZMIZ1):c.3200A>G (p.Asn1067Ser)

Gene: ZMIZ1 (zinc finger MIZ-type containing 1; plus strand). Cytogenetic location: 10q22.3.
Variant type: single nucleotide variant.
Coding change: c.3200A>G on transcript NM_020338.4 (MANE Select); coding-DNA position 3200, A replaced by G.
Protein change: p.Asn1067Ser; replaces asparagine 1067 with serine.
Molecular consequence: missense variant.
Genome position (GRCh38, 1-based): chr10:79,312,745, A>G. VCF-style: chr10-79312745-A-G. GRCh37 (hg19) VCF-style: chr10-81072502-A-G.
Other names: short protein forms N1067S.
Identifiers: ClinVar variation 3360290 (VCV003360290.1).
Genomic context (GRCh38, chr10:79,312,745, plus strand): 5'-TGGACCCCCCCGACCTGCCGAGCAATAGTAACGATGACCTCCTGTCTCTATTTGAGAACA[A>G]CTGAGGGCCACCCGGTCGGGGCCATCCCTCCACACTCTGCATCCTACCCCACCTACCCAA-3'
Protein context (NP_065071.1, residues 1057-1067): NDDLLSLFEN[Asn1067Ser]